The following is an entry in ClinVar:

NM_032485.6(MCM8):c.1330A>G (p.Ile444Val)

Gene: MCM8 (minichromosome maintenance 8 homologous recombination repair factor; plus strand). Cytogenetic location: 20p12.3.
Variant type: single nucleotide variant.
Coding change: c.1330A>G on transcript NM_032485.6 (MANE Select); coding-DNA position 1330, A replaced by G.
Protein change: p.Ile444Val; replaces isoleucine 444 with valine.
Molecular consequence: missense variant. On other transcripts: intron variant (1).
Genome position (GRCh38, 1-based): chr20:5,973,131, A>G. VCF-style: chr20-5973131-A-G. GRCh37 (hg19) VCF-style: chr20-5953777-A-G.
Other names: c.1330A>G, p.Ile444Val (NM_001281520.2); c.1450A>G, p.Ile484Val (NM_001281521.2); c.1282A>G, p.Ile428Val (NM_182802.3); c.1254+1094A>G (NM_001281522.2); short protein forms I428V, I444V, I484V.
Identifiers: ClinVar variation 812133 (VCV000812133.1), dbSNP rs373319946, ClinGen allele CA9756788.

ClinVar aggregate classification (germline): Uncertain significance (1 of 4 stars; one submission).

Conditions:
Premature ovarian failure 10 (POF10). Identifiers: MedGen C4225402, MONDO:0044776, OMIM 612885.

Allele frequency attached by ClinVar (database versions not stated): gnomAD exomes 0.00006 and 0.00013; ESP Exome Variant Server 0.00008; ExAC 0.00011; gnomAD 0.00011 and 0.00013; TOPMed 0.00012.
gnomAD v4.1: 99 of 1,614,106 alleles (0.0061%); highest among the groups gnomAD compares: Admixed American, 0.027%; no homozygotes.

Submission:

Lupski Lab, Baylor-Hopkins CMG, Baylor College of Medicine
Classification: Uncertain significance for Premature ovarian failure 10. Last evaluated: 2019-04-22. Review status: criteria provided, single submitter. Criteria: Jolly et al. (J Clin Endocrinol Metab. 2019). Collection method: research. Allele origin: inherited, unknown. Inheritance: Autosomal recessive inheritance. Affected: yes and no. Observed: 4 variant alleles, 2 heterozygotes, 2 compound heterozygotes. Clinical features observed: Hypergonadotropic hypogonadism (HP:0000815), Osteoporosis (HP:0000939).
Comment: This heterozygous variant was identified in compound heterozygosity with the c.1330A>G.